The following is an entry in ClinVar:

NM_003119.4(SPG7):c.2149G>A (p.Val717Met)

Gene: SPG7 (SPG7 matrix AAA peptidase subunit, paraplegin; plus strand). Cytogenetic location: 16q24.3.
Variant type: single nucleotide variant.
Coding change: c.2149G>A on transcript NM_003119.4 (MANE Select); coding-DNA position 2149, G replaced by A.
Protein change: p.Val717Met; replaces valine 717 with methionine.
Molecular consequence: missense variant.
Genome position (GRCh38, 1-based): chr16:89,554,531, G>A. VCF-style: chr16-89554531-G-A. GRCh37 (hg19) VCF-style: chr16-89620939-G-A.
Other names: c.2149G>A, p.Val717Met (NM_001363850.1); short protein forms V717M.
Identifiers: ClinVar variation 2104645 (VCV002104645.4), dbSNP rs2543852189, ClinGen allele CA397434725.

ClinVar aggregate classification (germline): Uncertain significance (1 of 4 stars; one submission).

Conditions:
Hereditary spastic paraplegia 7 (SPG7). Also called: Spastic paraplegia 7; Hereditary spastic paraplegia Paraplegin type; SPG7-related neurologic disorder; SPASTIC PARAPLEGIA 7, AUTOSOMAL RECESSIVE, WITH OR WITHOUT CEREBELLAR ATAXIA; Autosomal recessive spastic paraplegia type 7. Identifiers: Orphanet 99013, MedGen C1846564, MONDO:0011803, OMIM 607259.

Submission:

Labcorp Genetics (formerly Invitae), Labcorp
Classification: Uncertain significance for Hereditary spastic paraplegia 7. Last evaluated: 2022-05-27. Review status: criteria provided, single submitter. Criteria: Invitae Variant Classification Sherloc (09022015). Collection method: clinical testing. Allele origin: germline.
Comment: This sequence change replaces valine, which is neutral and non-polar, with methionine, which is neutral and non-polar, at codon 717 of the SPG7 protein (p.Val717Met). In summary, the available evidence is currently insufficient to determine the role of this variant in disease. Therefore, it has been classified as a Variant of Uncertain Significance. Algorithms developed to predict the effect of missense changes on protein structure and function are either unavailable or do not agree on the potential impact of this missense change (SIFT: "Tolerated"; PolyPhen-2: "Probably Damaging"; Align-GVGD: "Class C0"). This variant has not been reported in the literature in individuals affected with SPG7-related conditions. This variant is not present in population databases (gnomAD no frequency).